The following is an entry in ClinVar:

NM_032242.4(PLXNA1):c.2138C>T (p.Thr713Met)

Gene: PLXNA1 (plexin A1; plus strand). Cytogenetic location: 3q21.3.
Variant type: single nucleotide variant.
Coding change: c.2138C>T on transcript NM_032242.4 (MANE Select); coding-DNA position 2138, C replaced by T.
Protein change: p.Thr713Met; replaces threonine 713 with methionine.
Molecular consequence: missense variant.
Genome position (GRCh38, 1-based): chr3:127,011,983, C>T. VCF-style: chr3-127011983-C-T. GRCh37 (hg19) VCF-style: chr3-126730826-C-T.
Other names: short protein forms T713M.
Identifiers: ClinVar variation 2468023 (VCV002468023.3), dbSNP rs201387860, ClinGen allele CA2593528.

ClinVar aggregate classification (germline): Uncertain significance. Review status: criteria provided, multiple submitters, no conflicts (2 of 4 stars). 2 submissions from 2 submitters: Uncertain significance (2). Last evaluated 2025-03-30.

Conditions:
PLXNA1-related disorder. Also called: PLXNA1-related condition.

Allele frequency attached by ClinVar (database versions not stated): TOPMed 0.00003; ExAC 0.00005; gnomAD 0.00002.
gnomAD v4.1: 31 of 1,613,596 alleles (0.0019%); highest among the groups gnomAD compares: East Asian, 0.016%; no homozygotes.

Submissions (2):

PreventionGenetics, part of Exact Sciences
Classification: Uncertain significance for PLXNA1-related condition. Last evaluated: 2025-03-30. Review status: criteria provided, single submitter. Criteria: ACMG Guidelines, 2015. Collection method: clinical testing. Allele origin: germline.
Comment: The PLXNA1 c.2138C>T variant is predicted to result in the amino acid substitution p.Thr713Met. To our knowledge, this variant has not been reported in the literature. This variant is reported in 0.030% of alleles in individuals of East Asian descent in gnomAD. At this time, the clinical significance of this variant is uncertain due to the absence of conclusive functional and genetic evidence.

Ambry Genetics
Classification: Uncertain significance. Last evaluated: 2023-02-27. Review status: criteria provided, single submitter. Criteria: Ambry Variant Classification Scheme 2023. Collection method: clinical testing. Allele origin: germline.